The following is an entry in ClinVar:

ClinVar aggregate classification (germline): risk factor (0 of 4 stars; one submission).

Conditions:
Rheumatoid arthritis (RA). Also called: RHEUMATOID ARTHRITIS, SUSCEPTIBILITY TO. Identifiers: MedGen C0003873, MONDO:0008383, OMIM 180300, HP:0001370.

Submission:

GenHotel - European Research Laboratory for Rheumatoid Arthritis, University of Paris Saclay
Classification: risk factor for Rheumatoid arthritis. Last evaluated: 2017-06-16. Review status: no assertion criteria provided. Collection method: research. Allele origin: germline. Inheritance: Autosomal dominant inheritance. Affected: yes. Observed: 4 variant alleles, 4 heterozygotes. Clinical features observed: anti-citrullinated peptide antibody seropositive, rheumatoid factor seropositive.
Comment: The NM_001278480.1:c.73A>T variant has been identified in one French family with multiple cases of rheumatoid arthritis. It had a complete penetrance with the disease in the reported family and was absent from public databases (1000 Genomes project, Exome Aggregation Consortium project and NHLBI Exome Sequencing Project). In addition, the results of an association and linkage analysis support the classification of this variant as risk factor (p-value = 0.0029).

NM_001014286.3(SUPT20H):c.73A>T (p.Lys25Ter)

Gene: SUPT20H (SPT20 homolog, SAGA complex component; minus strand). Cytogenetic location: 13q13.3.
Variant type: single nucleotide variant.
Coding change: c.73A>T on transcript NM_001014286.3 (MANE Select); coding-DNA position 73, A replaced by T.
Protein change: p.Lys25Ter; replaces lysine 25 with a stop codon.
Molecular consequence: nonsense.
Genome position (GRCh38, 1-based): chr13:37,047,903, T>A on the plus strand (A>T on the coding strand, the complement: SUPT20H is on the minus strand). VCF-style: chr13-37047903-T-A. GRCh37 (hg19) VCF-style: chr13-37622040-T-A.
Other names: c.73A>T, p.Lys25Ter (NM_001278480.2, NM_001278481.2, NM_001278482.2 and 1 more transcripts); short protein forms K25*.
Identifiers: ClinVar variation 565291 (VCV000565291.3), dbSNP rs1566328963, ClinGen allele CA387871263.
Genomic context (GRCh38, chr13:37,047,903, plus strand): 5'-ATGAATCTAAGATGTTACCAATTAATTATTCATACCTTCCACTTGATAGGTATTTCCTTT[T>A]AGGAGGTCTCTGTCGGGCACTTTCAATGACATACTAAAAAACAAAAGTTTATGAGAACAG-3'